The following is an entry in ClinVar:

NM_006892.4(DNMT3B):c.85G>A (p.Asp29Asn)

Gene: DNMT3B (DNA methyltransferase 3 beta; plus strand). Cytogenetic location: 20q11.21.
Variant type: single nucleotide variant.
Coding change: c.85G>A on transcript NM_006892.4 (MANE Select); coding-DNA position 85, G replaced by A.
Protein change: p.Asp29Asn; replaces aspartic acid 29 with asparagine.
Molecular consequence: missense variant.
Genome position (GRCh38, 1-based): chr20:32,780,408, G>A. VCF-style: chr20-32780408-G-A. GRCh37 (hg19) VCF-style: chr20-31368214-G-A.
Other names: c.85G>A, p.Asp29Asn (NM_001207055.2, NM_001207056.2, NM_175848.2 and 1 more transcripts); c.121G>A, p.Asp41Asn (NM_175850.3); short protein forms D29N, D41N.
Identifiers: ClinVar variation 1034541 (VCV001034541.6), dbSNP rs775216151, ClinGen allele CA9810025.
Genomic context (GRCh38, chr20:32,780,408, plus strand): 5'-AATGGAGAGGAGGACGCCGGCGGGAGGGAAGACTCGATCCTCGTCAACGGGGCCTGCAGC[G>A]ACCAGTCCTCCGACTCGCCCCCAATCCTGGAGGCTATCCGCACCCCGGAGATCAGAGGTG-3'
Protein context (NP_008823.1, residues 19-39): DSILVNGACS[Asp29Asn]QSSDSPPILE

ClinVar aggregate classification (germline): Uncertain significance (1 of 4 stars; one submission).

Conditions:
Centromeric instability of chromosomes 1,9 and 16 and immunodeficiency (ICF1). Also called: Immunodeficiency-centromeric instability-facial anomalies; IMMUNE DEFICIENCY, VARIABLE, WITH CENTROMERIC INSTABILITY OF CHROMOSOMES 1, 9, AND 16; IMMUNODEFICIENCY SYNDROME, VARIABLE; CENTROMERIC INSTABILITY, IMMUNODEFICIENCY SYNDROME. Identifiers: Orphanet 2268, MedGen C0398788, MONDO:0000133.

Allele frequency attached by ClinVar (database versions not stated): gnomAD exomes below 0.00001 and 0.00003; ExAC 0.00001; TOPMed 0.00001; gnomAD 0.00002.
gnomAD v4.1: 52 of 1,613,764 alleles (0.0032%); highest among the groups gnomAD compares: Non-Finnish European, 0.0041%; no homozygotes.

Submission:

Labcorp Genetics (formerly Invitae), Labcorp
Classification: Uncertain significance for Centromeric instability of chromosomes 1,9 and 16 and immunodeficiency. Last evaluated: 2021-09-01. Review status: criteria provided, single submitter. Criteria: Invitae Variant Classification Sherloc (09022015). Collection method: clinical testing. Allele origin: germline.
Comment: This sequence change replaces aspartic acid with asparagine at codon 29 of the DNMT3B protein (p.Asp29Asn). The aspartic acid residue is highly conserved and there is a small physicochemical difference between aspartic acid and asparagine. This variant is present in population databases (rs775216151, ExAC 0.002%). This variant has not been reported in the literature in individuals affected with DNMT3B-related conditions. Algorithms developed to predict the effect of missense changes on protein structure and function output the following: SIFT: "Deleterious"; PolyPhen-2: "Benign"; Align-GVGD: "Class C0". The asparagine amino acid residue is found in multiple mammalian species, which suggests that this missense change does not adversely affect protein function. In summary, the available evidence is currently insufficient to determine the role of this variant in disease. Therefore, it has been classified as a Variant of Uncertain Significance.